The following is an entry in ClinVar:

NM_004168.4(SDHA):c.1603G>T (p.Gly535Cys)

Gene: SDHA (succinate dehydrogenase complex flavoprotein subunit A; plus strand). Cytogenetic location: 5p15.33.
Variant type: single nucleotide variant.
Coding change: c.1603G>T on transcript NM_004168.4 (MANE Select); coding-DNA position 1603, G replaced by T.
Protein change: p.Gly535Cys; replaces glycine 535 with cysteine.
Molecular consequence: missense variant. On other transcripts: intron variant (1).
Genome position (GRCh38, 1-based): chr5:251,043, G>T. VCF-style: chr5-251043-G-T. GRCh37 (hg19) VCF-style: chr5-251158-G-T.
Other names: c.1459G>T, p.Gly487Cys (NM_001294332.2); c.1552-3350G>T (NM_001330758.2); short protein forms G535C, G487C.
Identifiers: ClinVar variation 472344 (VCV000472344.12), dbSNP rs777622021, ClinGen allele CA3173304.
Genomic context (GRCh38, chr5:251,043, plus strand): 5'-GTGCCACAGTCAATGCAAAATCATGCTGCCGTGTTCCGTGTGGGAAGCGTGTTGCAAGAA[G>T]GTTGTGGGAAAATCAGCAAGCTCTATGGAGACCTAAAGCACCTGAAGACGTTCGACCGGG-3'
Protein context (NP_004159.2, residues 525-545): VFRVGSVLQE[Gly535Cys]CGKISKLYGD

ClinVar aggregate classification (germline): Uncertain significance. Review status: criteria provided, multiple submitters, no conflicts (2 of 4 stars). 2 submissions from 2 submitters: Uncertain significance (2). Last evaluated 2025-07-19.

Conditions:
Hereditary cancer-predisposing syndrome. Also called: Neoplastic Syndromes, Hereditary; Hereditary Cancer Syndrome; Hereditary neoplastic syndrome; Tumor predisposition. Identifiers: Orphanet 140162, MedGen C0027672, MeSH D009386, MONDO:0015356.
Mitochondrial complex II deficiency, nuclear type 1. Also called: SUCCINATE CoQ REDUCTASE DEFICIENCY. Identifiers: Orphanet 3208, MedGen C5700310, MONDO:0100294, OMIM 252011.
Pheochromocytoma/paraganglioma syndrome 5. Also called: Paragangliomas 5; SDHA-Related Hereditary Paraganglioma-Pheochromocytoma Syndrome. Identifiers: Orphanet 29072, MedGen C3279992, MONDO:0013602, OMIM 614165.

Allele frequency attached by ClinVar (database versions not stated): gnomAD exomes below 0.00001; ExAC 0.00001; gnomAD 0.00002; TOPMed 0.00002.
gnomAD v4.1: 4 of 1,611,894 alleles (0.00025%); highest among the groups gnomAD compares: African/African-American, 0.0053%; no homozygotes.

Submissions (2):

Labcorp Genetics (formerly Invitae), Labcorp
Classification: Uncertain significance for Pheochromocytoma/paraganglioma syndrome 5; Mitochondrial complex II deficiency, nuclear type 1. Last evaluated: 2025-07-19. Review status: criteria provided, single submitter. Criteria: Invitae Variant Classification Sherloc (09022015). Collection method: clinical testing. Allele origin: germline.
Comment: This sequence change replaces glycine, which is neutral and non-polar, with cysteine, which is neutral and slightly polar, at codon 535 of the SDHA protein (p.Gly535Cys). This variant is present in population databases (rs777622021, gnomAD 0.007%). This variant has not been reported in the literature in individuals affected with SDHA-related conditions. ClinVar contains an entry for this variant (Variation ID: 472344). Invitae Evidence Modeling of protein sequence and biophysical properties (such as structural, functional, and spatial information, amino acid conservation, physicochemical variation, residue mobility, and thermodynamic stability) has been performed for this missense variant. However, the output from this modeling did not meet the statistical confidence thresholds required to predict the impact of this variant on SDHA protein function. In summary, the available evidence is currently insufficient to determine the role of this variant in disease. Therefore, it has been classified as a Variant of Uncertain Significance.

Ambry Genetics
Classification: Uncertain significance for Hereditary cancer-predisposing syndrome. Last evaluated: 2024-12-12. Review status: criteria provided, single submitter. Criteria: Ambry Variant Classification Scheme 2023. Collection method: clinical testing. Allele origin: germline.
Comment: The p.G535C variant (also known as c.1603G>T), located in coding exon 12 of the SDHA gene, results from a G to T substitution at nucleotide position 1603. The glycine at codon 535 is replaced by cysteine, an amino acid with highly dissimilar properties. This amino acid position is conserved. In addition, this alteration is predicted to be deleterious by in silico analysis. Since supporting evidence is limited at this time, the clinical significance of this alteration remains unclear.